The following is an entry in ClinVar:

ClinVar aggregate classification (germline): Uncertain significance. Review status: criteria provided, multiple submitters, no conflicts (2 of 4 stars). 2 submissions from 2 submitters: Uncertain significance (2). Last evaluated 2024-12-07.

Conditions:
TPRN-related disorder. Also called: TPRN-related condition.

Allele frequency attached by ClinVar (database versions not stated): gnomAD exomes 0.00001 and 0.00005; ExAC 0.00005; gnomAD 0.00007 and 0.00008; TOPMed 0.00010; ESP Exome Variant Server 0.00031.
gnomAD v4.1: 21 of 1,613,134 alleles (0.0013%); highest among the groups gnomAD compares: African/African-American, 0.023%; no homozygotes.

Submissions (2):

PreventionGenetics, part of Exact Sciences
Classification: Uncertain significance for TPRN-related condition. Last evaluated: 2024-12-07. Review status: criteria provided, single submitter. Criteria: ACMG Guidelines, 2015. Collection method: clinical testing. Allele origin: germline.
Comment: The TPRN c.1634G>A variant is predicted to result in the amino acid substitution p.Arg545His. To our knowledge, this variant has not been reported in the literature. This variant is reported in 0.056% of alleles in individuals of African descent in gnomAD. Although we suspect that this variant may be benign, at this time, the clinical significance of this variant is uncertain due to the absence of conclusive functional and genetic evidence.

GeneDx
Classification: Uncertain significance. Last evaluated: 2022-02-04. Review status: criteria provided, single submitter. Criteria: GeneDx Variant Classification Process June 2021. Collection method: clinical testing. Allele origin: germline. Affected: yes.
Comment: In silico analysis supports that this missense variant has a deleterious effect on protein structure/function; Has not been previously published as pathogenic or benign to our knowledge

NM_001128228.3(TPRN):c.1634G>A (p.Arg545His)

Gene: TPRN (taperin; minus strand). Cytogenetic location: 9q34.3.
Variant type: single nucleotide variant.
Coding change: c.1634G>A on transcript NM_001128228.3 (MANE Select); coding-DNA position 1634, G replaced by A.
Protein change: p.Arg545His; replaces arginine 545 with histidine.
Molecular consequence: missense variant.
Genome position (GRCh38, 1-based): chr9:137,199,078, C>T on the plus strand (G>A on the coding strand, the complement: TPRN is on the minus strand). VCF-style: chr9-137199078-C-T. GRCh37 (hg19) VCF-style: chr9-140093530-C-T.
Other names: short protein forms R545H.
Identifiers: ClinVar variation 1700269 (VCV001700269.3), dbSNP rs150227451, ClinGen allele CA5362692.